The following is an entry in ClinVar:

ClinVar aggregate classification (germline): Likely benign. Review status: criteria provided, single submitter (1 of 4 stars). 2 submissions from 2 submitters: Likely benign (1). 1 of the submissions does not count toward it. Last evaluated 2025-12-31.

Conditions:
FAT1-related disorder. Also called: FAT1-related condition.

Allele frequency attached by ClinVar (database versions not stated): gnomAD exomes 0.00003 and 0.00011; ExAC 0.00013; TOPMed 0.00033; gnomAD 0.00037 and 0.00041; ESP Exome Variant Server 0.00064.
gnomAD v4.1: 100 of 1,593,592 alleles (0.0063%); highest among the groups gnomAD compares: African/African-American, 0.13%; 1 homozygote.

Submissions (2):

Labcorp Genetics (formerly Invitae), Labcorp
Classification: Likely benign. Last evaluated: 2025-12-31. Review status: criteria provided, single submitter. Criteria: Invitae Variant Classification Sherloc (09022015). Collection method: clinical testing. Allele origin: germline.

PreventionGenetics, part of Exact Sciences
Classification: Likely benign for FAT1-related condition. Last evaluated: 2022-12-19. Review status: no assertion criteria provided. Collection method: clinical testing. Allele origin: germline. Not counted in ClinVar's aggregate classification.
Comment: This variant is classified as likely benign based on ACMG/AMP sequence variant interpretation guidelines (Richards et al. 2015 PMID: 25741868, with internal and published modifications).

NM_005245.4(FAT1):c.9463+7C>T

Gene: FAT1 (FAT atypical cadherin 1; minus strand). Cytogenetic location: 4q35.2.
Variant type: single nucleotide variant.
Coding change: c.9463+7C>T on transcript NM_005245.4 (MANE Select); 7 bases into the intron after coding-DNA position 9463, C replaced by T.
Molecular consequence: intron variant.
Genome position (GRCh38, 1-based): chr4:186,613,102, G>A on the plus strand (C>T on the coding strand, the complement: FAT1 is on the minus strand). VCF-style: chr4-186613102-G-A. GRCh37 (hg19) VCF-style: chr4-187534256-G-A.
Other names: c.9463+7C>T (NM_005245.3).
Identifiers: ClinVar variation 1591887 (VCV001591887.10), dbSNP rs371214947, ClinGen allele CA3165622.
Genomic context (GRCh38, chr4:186,613,102, plus strand): 5'-TGTTTTGAAACAGAGGCTCCTAGGATCTCAGTGAGCAGCGTCAGGCAAGAGCATTCCCGG[G>A]AGATACCTGCGTCGGCATCTGTGGCCTGCACTCTTGTCAGCAGCGTTCCCGGCTCTGTGT-3'